The following is an entry in ClinVar:

NM_006767.4(LZTR1):c.762C>A (p.Asn254Lys)

Gene: LZTR1 (leucine zipper like post translational regulator 1; plus strand). Cytogenetic location: 22q11.21.
Variant type: single nucleotide variant.
Coding change: c.762C>A on transcript NM_006767.4 (MANE Select); coding-DNA position 762, C replaced by A.
Protein change: p.Asn254Lys; replaces asparagine 254 with lysine.
Molecular consequence: missense variant.
Genome position (GRCh38, 1-based): chr22:20,990,496, C>A. VCF-style: chr22-20990496-C-A. GRCh37 (hg19) VCF-style: chr22-21344785-C-A.
Other names: short protein forms N254K.
Identifiers: ClinVar variation 3915037 (VCV003915037.2).
Genomic context (GRCh38, chr22:20,990,496, plus strand): 5'-TGTGTGCCGGGACAAGATGTTTGTATTCTCTGGGCAAAGCGGAGCCAAAATAACCAACAA[C>A]CTCTTCCAGTTTGAATTCAAGGACAAGACGTGAGTACTCTGGCCAGTGGGGTGGAGGGAG-3'
Protein context (NP_006758.2, residues 244-264): SGQSGAKITN[Asn254Lys]LFQFEFKDKT

ClinVar aggregate classification (germline): Uncertain significance. Review status: criteria provided, multiple submitters, no conflicts (2 of 4 stars). 2 submissions from 2 submitters: Uncertain significance (2). Last evaluated 2025-03-26.

Conditions:
Cardiovascular phenotype. Identifiers: MedGen CN230736.
Hereditary cancer-predisposing syndrome. Also called: Hereditary Cancer Syndrome; Hereditary neoplastic syndrome; Neoplastic Syndromes, Hereditary; Tumor predisposition. Identifiers: Orphanet 140162, MedGen C0027672, MeSH D009386, MONDO:0015356.

Submissions (2):

Ambry Genetics
Classification: Uncertain significance for Cardiovascular phenotype; Hereditary cancer-predisposing syndrome. Last evaluated: 2025-03-26. Review status: criteria provided, single submitter. Criteria: Ambry Variant Classification Scheme 2023. Collection method: clinical testing. Allele origin: germline.
Comment: The p.N254K variant (also known as c.762C>A), located in coding exon 8 of the LZTR1 gene, results from a C to A substitution at nucleotide position 762. The asparagine at codon 254 is replaced by lysine, an amino acid with similar properties. This amino acid position is conserved. In addition, this alteration is predicted to be tolerated by in silico analysis. Based on the available evidence, the clinical significance of this variant remains unclear.

Labcorp Genetics (formerly Invitae), Labcorp
Classification: Uncertain significance. Last evaluated: 2025-03-19. Review status: criteria provided, single submitter. Criteria: Invitae Variant Classification Sherloc (09022015). Collection method: clinical testing. Allele origin: germline.
Comment: This sequence change replaces asparagine, which is neutral and polar, with lysine, which is basic and polar, at codon 254 of the LZTR1 protein (p.Asn254Lys). This variant is not present in population databases (gnomAD no frequency). This variant has not been reported in the literature in individuals affected with LZTR1-related conditions. Invitae Evidence Modeling of protein sequence and biophysical properties (such as structural, functional, and spatial information, amino acid conservation, physicochemical variation, residue mobility, and thermodynamic stability) indicates that this missense variant is not expected to disrupt LZTR1 protein function with a negative predictive value of 80%. In summary, the available evidence is currently insufficient to determine the role of this variant in disease. Therefore, it has been classified as a Variant of Uncertain Significance.